The following is an entry in ClinVar:

NM_017617.5(NOTCH1):c.6291G>T (p.Pro2097=)

Gene: NOTCH1 (notch receptor 1; minus strand). Cytogenetic location: 9q34.3.
Variant type: single nucleotide variant.
Coding change: c.6291G>T on transcript NM_017617.5 (MANE Select); coding-DNA position 6291, G replaced by T.
Protein change: p.Pro2097=; no amino-acid change (proline 2097 retained).
Molecular consequence: synonymous variant.
Genome position (GRCh38, 1-based): chr9:136,497,448, C>A on the plus strand (G>T on the coding strand, the complement: NOTCH1 is on the minus strand). VCF-style: chr9-136497448-C-A. GRCh37 (hg19) VCF-style: chr9-139391900-C-A.
Other names: p.Pro2097=.
Identifiers: ClinVar variation 698436 (VCV000698436.13), dbSNP rs201987555, ClinGen allele CA5339947.
Genomic context (GRCh38, chr9:136,497,448, plus strand): 5'-GTTGTACTCGTCCAGCAGCCTCACGATGTCGTGATGCATGCGCTCCTGTGCGATGTCGCG[C>A]GGCAGGCGGTCCATATGATCCGTGATGTCCCGGTTGGCAAAGTGGTCCAGCAGCACCTTG-3'
Protein context (NP_060087.3, residues 2087-2107): RDITDHMDRL[Pro2097=]RDIAQERMHH

ClinVar aggregate classification (germline): Likely benign. Review status: criteria provided, multiple submitters, no conflicts (2 of 4 stars). 3 submissions from 3 submitters: Likely benign (3). Last evaluated 2026-01-22.

Conditions:
Adams-Oliver syndrome 5 (AOS5). Identifiers: Orphanet 974, MedGen C4014970, MONDO:0014459, OMIM 616028.
Familial thoracic aortic aneurysm and aortic dissection (TAAD). Also called: Thoracic aortic aneurysms and dissections. Identifiers: Orphanet 91387, MedGen C4707243, MONDO:0019625.

Allele frequency attached by ClinVar (database versions not stated): TOPMed 0.00002; ESP Exome Variant Server 0.00008.
gnomAD v4.1: 40 of 1,612,278 alleles (0.0025%); highest among the groups gnomAD compares: Non-Finnish European, 0.0033%; no homozygotes.

Submissions (3):

Labcorp Genetics (formerly Invitae), Labcorp
Classification: Likely benign for Adams-Oliver syndrome 5. Last evaluated: 2026-01-22. Review status: criteria provided, single submitter. Criteria: Invitae Variant Classification Sherloc (09022015). Collection method: clinical testing. Allele origin: germline.

Mayo Clinic Laboratories, Mayo Clinic
Classification: Likely benign. Last evaluated: 2025-06-24. Review status: criteria provided, single submitter. Criteria: ACMG Guidelines, 2015. Collection method: clinical testing. Allele origin: germline. Observed: 1 variant allele.
Comment: BP4, BP7

Ambry Genetics
Classification: Likely benign for Familial thoracic aortic aneurysm and aortic dissection. Last evaluated: 2020-11-15. Review status: criteria provided, single submitter. Criteria: Ambry Variant Classification Scheme 2023. Collection method: clinical testing. Allele origin: germline.